The following is an entry in ClinVar:

ClinVar aggregate classification (germline): Uncertain significance. Review status: criteria provided, multiple submitters, no conflicts (2 of 4 stars). 3 submissions from 3 submitters: Uncertain significance (3). Last evaluated 2022-07-25.

Conditions:
Mitochondrial DNA depletion syndrome 13. Also called: FBXL4-Related Encephalomyopathic Mitochondrial DNA Depletion Syndrome; Mitochondrial DNA depletion syndrome 13 (encephalomyopathic type). Identifiers: Orphanet 369897, MedGen C3809592, MONDO:0014198, OMIM 615471.
Inborn genetic diseases. Identifiers: MedGen C0950123, MeSH D030342.

gnomAD v4.1: 2 of 1,614,016 alleles (0.00012%); highest among the groups gnomAD compares: Admixed American, 0.0033%; no homozygotes.

Submissions (3):

Labcorp Genetics (formerly Invitae), Labcorp
Classification: Uncertain significance. Last evaluated: 2022-07-25. Review status: criteria provided, single submitter. Criteria: Invitae Variant Classification Sherloc (09022015). Collection method: clinical testing. Allele origin: germline.
Comment: In summary, the available evidence is currently insufficient to determine the role of this variant in disease. Therefore, it has been classified as a Variant of Uncertain Significance. Advanced modeling of protein sequence and biophysical properties (such as structural, functional, and spatial information, amino acid conservation, physicochemical variation, residue mobility, and thermodynamic stability) performed at Invitae indicates that this missense variant is expected to disrupt FBXL4 protein function. ClinVar contains an entry for this variant (Variation ID: 437678). This variant has not been reported in the literature in individuals affected with FBXL4-related conditions. This variant is present in population databases (rs779748858, gnomAD 0.006%). This sequence change replaces leucine, which is neutral and non-polar, with phenylalanine, which is neutral and non-polar, at codon 352 of the FBXL4 protein (p.Leu352Phe).

Ambry Genetics
Classification: Uncertain significance for Inborn genetic diseases. Last evaluated: 2021-08-12. Review status: criteria provided, single submitter. Criteria: Ambry Variant Classification Scheme 2023. Collection method: clinical testing. Allele origin: germline.

Wong Mito Lab, Molecular and Human Genetics, Baylor College of Medicine
Classification: Uncertain significance for Mitochondrial DNA depletion syndrome 13. Last evaluated: 2017-08-10. Review status: criteria provided, single submitter. Criteria: ACMG Guidelines, 2015. Collection method: reference population. Allele origin: germline.
Comment: The NM_012160.4:c.1056A>T (NP_036292.2:p.Leu352Phe) [GRCH38: NC_000006.12:g.98905473T>A] variant in FBXL4 gene is interpretated to be a Uncertain Significance - Insufficient Evidence based on ACMG guidelines (PMID: 25741868). This variant meets one or more of the following evidence codes reported in the ACMG-guideline. PM2:This variant is absent in key population databases. PP3:Computational evidence/predictors indicate the variant has deleterious effect on FBXL4 structure, function, or protein-protein interaction. Based on this evidence code ClinGen Pathogenicity Calculator (PMID:28081714) suggested that the variant is Uncertain Significance - Insufficient Evidence.

NM_001278716.2(FBXL4):c.1056A>T (p.Leu352Phe)

Gene: FBXL4 (F-box and leucine rich repeat protein 4; minus strand). Cytogenetic location: 6q16.2.
Variant type: single nucleotide variant.
Coding change: c.1056A>T on transcript NM_001278716.2 (MANE Select); coding-DNA position 1056, A replaced by T.
Protein change: p.Leu352Phe; replaces leucine 352 with phenylalanine.
Molecular consequence: missense variant. On other transcripts: non-coding transcript variant (2).
Genome position (GRCh38, 1-based): chr6:98,905,473, T>A on the plus strand (A>T on the coding strand, the complement: FBXL4 is on the minus strand). VCF-style: chr6-98905473-T-A. GRCh37 (hg19) VCF-style: chr6-99353349-T-A.
Other names: c.1056A>T (NM_012160.3); c.1056A>T, p.Leu352Phe (NM_012160.5); short protein forms L352F.
Identifiers: ClinVar variation 437678 (VCV000437678.10), dbSNP rs779748858, ClinGen allele CA3933559.
Genomic context (GRCh38, chr6:98,905,473, plus strand): 5'-GCTTTGTACTAACCTGCTAAATCCTGCAACAGAGATGAAGCCTCTATTGCCAGTCCAAGA[T>A]AAATTAAGCCACTGGACAAGAGTGCAGCGAGACTGTAGAAATTCCAGAGAAGTGTCATCT-3'
Protein context (NP_001265645.1, residues 342-362): SRCTLVQWLN[Leu352Phe]SWTGNRGFIS